The following is an entry in ClinVar:

ClinVar aggregate classification (germline): Uncertain significance (1 of 4 stars; one submission).

Allele frequency attached by ClinVar (database versions not stated): gnomAD 0.00001; gnomAD exomes 0.00001; TOPMed 0.00001; ExAC 0.00003.

Submission:

Labcorp Genetics (formerly Invitae), Labcorp
Classification: Uncertain significance. Last evaluated: 2022-05-21. Review status: criteria provided, single submitter. Criteria: Invitae Variant Classification Sherloc (09022015). Collection method: clinical testing. Allele origin: germline.
Comment: This sequence change replaces arginine, which is basic and polar, with histidine, which is basic and polar, at codon 694 of the ADAMTSL4 protein (p.Arg694His). This variant is present in population databases (rs766036774, gnomAD 0.006%). This variant has not been reported in the literature in individuals affected with ADAMTSL4-related conditions. Algorithms developed to predict the effect of missense changes on protein structure and function are either unavailable or do not agree on the potential impact of this missense change (SIFT: "Deleterious"; PolyPhen-2: "Benign"; Align-GVGD: "Class C25"). In summary, the available evidence is currently insufficient to determine the role of this variant in disease. Therefore, it has been classified as a Variant of Uncertain Significance.

NM_019032.6(ADAMTSL4):c.2081G>A (p.Arg694His)

Genes: ADAMTSL4 (ADAMTS like 4; plus strand), ADAMTSL4-AS2 (ADAMTSL4 antisense RNA 2; minus strand). Cytogenetic location: 1q21.2.
Variant type: single nucleotide variant.
Coding change: c.2081G>A on transcript NM_019032.6 (MANE Select); coding-DNA position 2081, G replaced by A.
Protein change: p.Arg694His; replaces arginine 694 with histidine.
Molecular consequence: missense variant.
Genome position (GRCh38, 1-based): chr1:150,557,527, G>A. VCF-style: chr1-150557527-G-A. GRCh37 (hg19) VCF-style: chr1-150530003-G-A.
Other names: c.1964G>A, p.Arg655His (NM_001288607.2); c.2150G>A, p.Arg717His (NM_001288608.2); c.2081G>A, p.Arg694His (NM_001378596.1, NM_025008.5); short protein forms R717H, R694H, R655H.
Identifiers: ClinVar variation 1902933 (VCV001902933.2), dbSNP rs766036774, ClinGen allele CA1078527.